The following is an entry in ClinVar:

ClinVar aggregate classification (germline): Uncertain significance (1 of 4 stars; one submission).

Submission:

Labcorp Genetics (formerly Invitae), Labcorp
Classification: Uncertain significance. Last evaluated: 2022-03-04. Review status: criteria provided, single submitter. Criteria: Invitae Variant Classification Sherloc (09022015). Collection method: clinical testing. Allele origin: germline.
Comment: This variant has not been reported in the literature in individuals affected with CNGA1-related conditions. This sequence change replaces isoleucine, which is neutral and non-polar, with leucine, which is neutral and non-polar, at codon 687 of the CNGA1 protein (p.Ile687Leu). This variant is not present in population databases (gnomAD no frequency). Algorithms developed to predict the effect of missense changes on protein structure and function output the following: SIFT: "Tolerated"; PolyPhen-2: "Benign"; Align-GVGD: "Class C0". The leucine amino acid residue is found in multiple mammalian species, which suggests that this missense change does not adversely affect protein function. In summary, the available evidence is currently insufficient to determine the role of this variant in disease. Therefore, it has been classified as a Variant of Uncertain Significance.

NM_001379270.1(CNGA1):c.2047A>C (p.Ile683Leu)

Genes: CNGA1 (cyclic nucleotide gated channel subunit alpha 1; minus strand), LOC101927157 (uncharacterized LOC101927157; plus strand). Cytogenetic location: 4p12.
Variant type: single nucleotide variant.
Coding change: c.2047A>C on transcript NM_001379270.1 (MANE Select); coding-DNA position 2047, A replaced by C.
Protein change: p.Ile683Leu; replaces isoleucine 683 with leucine.
Molecular consequence: missense variant.
Genome position (GRCh38, 1-based): chr4:47,936,435, T>G on the plus strand (A>C on the coding strand, the complement: CNGA1 is on the minus strand). VCF-style: chr4-47936435-T-G. GRCh37 (hg19) VCF-style: chr4-47938452-T-G.
Other names: c.2047A>C, p.Ile683Leu (NM_000087.5, NM_001142564.2); short protein forms I683L.
Identifiers: ClinVar variation 1464696 (VCV001464696.8), dbSNP rs2110126577, ClinGen allele CA356822902.